The following is an entry in ClinVar:

NM_000372.5(TYR):c.929dup (p.Arg311fs)

Gene: TYR (tyrosinase; plus strand). Cytogenetic location: 11q14.3.
Variant type: Duplication.
Coding change: c.929dup on transcript NM_000372.5 (MANE Select); coding-DNA position 929, one base duplicated (C; older notation c.929dupC).
Protein change: p.Arg311fs; shifts the reading frame from arginine 311.
Molecular consequence: frameshift variant.
Genome position (GRCh38, 1-based): chr11:89,191,311, C duplicated; the last of 4 consecutive C bases (chr11:89,191,308-89,191,311); duplicating any one gives the same sequence. VCF-style (leftmost placement, unchanged base first): chr11-89191307-A-AC. GRCh37 (hg19) VCF-style: chr11-88924475-A-AC.
Other names: short protein forms R311fs.
Identifiers: ClinVar variation 3771 (VCV000003771.31), dbSNP rs281865527, ClinGen allele CA227601.

ClinVar aggregate classification (germline): Pathogenic. Review status: criteria provided, multiple submitters, no conflicts (2 of 4 stars). 16 submissions from 16 submitters: Pathogenic (13). 3 of the submissions do not count toward it. Last evaluated 2025-01-04.

Conditions:
SKIN/HAIR/EYE PIGMENTATION 3, LIGHT/DARK SKIN (SHEP3). Also called: SKIN/HAIR/EYE PIGMENTATION, VARIATION IN, 3; SKIN/HAIR/EYE PIGMENTATION 3, BLUE/GREEN EYE COLOR; SKIN/HAIR/EYE PIGMENTATION 3, FRECKLING; EYE COLOR 1; EYE COLOR, GREEN/BLUE. Identifiers: MedGen C2677190, OMIM 601800.
Oculocutaneous albinism type 1A (OCA1A). Also called: Albinism, oculocutaneous, type IA. Identifiers: Orphanet 352731, Orphanet 79431, MedGen C4551504, MONDO:0008745, OMIM 203100. Disease mechanism: loss of function.
Oculocutaneous albinism type 1B (OCA1B). Also called: ALBINISM, YELLOW MUTANT TYPE; ALBINISM, OCULOCUTANEOUS, TYPE IB; YELLOW ALBINISM. Identifiers: Orphanet 352731, Orphanet 352737, Orphanet 79434, MedGen C1847024, MONDO:0011749, OMIM 606952.
TYR-related disorder. Also called: TYR-related condition.
Inborn genetic diseases. Identifiers: MedGen C0950123, MeSH D030342.

Submissions (16):

GeneDx
Classification: Pathogenic. Last evaluated: 2025-01-04. Review status: criteria provided, single submitter. Criteria: GeneDx Variant Classification Process June 2021. Collection method: clinical testing. Allele origin: germline. Affected: yes.
Comment: Observed in homozygous state in patients with oculocutaneous albinism in the literature and not observed in homozygous state in controls (PMID: 2511845, 19865097); Frameshift variant predicted to result in protein truncation or nonsense mediated decay in a gene for which loss of function is a known mechanism of disease; This variant is associated with the following publications: (PMID: 26252096, 1970634, 32552135, 34934729, 27829221, 2511845, 19865097, 23504663, 18590551, 1903591, 18463683, 11284711, 22042571, 16767664, 31199599, 31077556, 38145795, 36729443, 35870188, 37471664, 32901917, 10929771, 34838614, 33124154, 35923705, 35052368, 33834455, 35488210, 33502066)

Laboratory of Genetic Epidemiology, Research Centre for Medical Genetics
Classification: Pathogenic for Oculocutaneous albinism type 1A; Oculocutaneous albinism type 1B. Last evaluated: 2025-01-01. Review status: criteria provided, single submitter. Criteria: ACMG Guidelines, 2015. Collection method: clinical testing. Allele origin: unknown. Inheritance: Autosomal recessive inheritance. Affected: yes. Observed: 1 heterozygote.
Comment: This variant has been previously reported in the literature (PMIDs:2511845, 23504663, 27829221) and is listed in gnomAD v3.1.2 with allele frequency 0.000006 (1/151880). We assume that this variant is highly likely to be in trans-position with the likely pathogenic variant NM_000372.5:c.1193A>G, p.(Glu398Gly) in proband; therefore, based on the literature (PMID: 30311386), we apply the ACMG pathogenic criterion PM3 Supporting. Taken together, the variant meets the following ACMG/AMP criteria and can be classified as pathogenic with PM2, PVS1, PM3 criteria.

Fulgent Genetics
Classification: Pathogenic for Oculocutaneous albinism type 1A; SKIN/HAIR/EYE PIGMENTATION 3, LIGHT/DARK SKIN; Oculocutaneous albinism type 1B. Last evaluated: 2024-05-30. Review status: criteria provided, single submitter. Criteria: ACMG Guidelines, 2015. Collection method: clinical testing. Allele origin: germline.

Baylor Genetics
Classification: Pathogenic for SKIN/HAIR/EYE PIGMENTATION 3, LIGHT/DARK SKIN. Last evaluated: 2024-03-05. Review status: criteria provided, single submitter. Criteria: ACMG Guidelines, 2015. Collection method: clinical testing. Allele origin: unknown.

Labcorp Genetics (formerly Invitae), Labcorp
Classification: Pathogenic. Last evaluated: 2024-02-20. Review status: criteria provided, single submitter. Criteria: Invitae Variant Classification Sherloc (09022015). Collection method: clinical testing. Allele origin: germline.
Comment: This sequence change creates a premature translational stop signal (p.Arg311Lysfs*7) in the TYR gene. It is expected to result in an absent or disrupted protein product. Loss-of-function variants in TYR are known to be pathogenic (PMID: 23504663). This variant is present in population databases (rs371141427, gnomAD 0.06%). This premature translational stop signal has been observed in individuals with clinical features of oculocutaneous albinism (PMID: 27829221; Invitae). It has also been observed to segregate with disease in related individuals. This variant is also known as c.929_930insC. ClinVar contains an entry for this variant (Variation ID: 3771). For these reasons, this variant has been classified as Pathogenic.

Blueprint Genetics
Classification: Pathogenic for TYR-related disorders. Last evaluated: 2022-09-14. Review status: criteria provided, single submitter. Criteria: ACMG Guidelines, 2015. Collection method: clinical testing. Allele origin: germline. Affected: yes. Observed: 2 variant alleles.

3billion
Classification: Pathogenic for Oculocutaneous albinism type 1A. Last evaluated: 2021-10-02. Review status: criteria provided, single submitter. Criteria: ACMG Guidelines, 2015. Collection method: clinical testing. Allele origin: paternal. Affected: yes. Observed: 1 heterozygote.
Comment: Frameshift: predicted to result in a loss or disruption of normal protein function through nonsense-mediated decay (NMD) or protein truncation. Multiple pathogenic variants are reported downstream of the variant (PVS1_VS). It is observed at an extremely low frequency in the gnomAD v2.1.1 dataset (total allele frequency: 0.00004379, PM2). The variant has been reported multiple times as an established pathogenic variant (ClinVar ID: VCV000264684.5). Patient's phenotype is considered compatible with Albinism, Oculicutaneous, Type 1A (3billion dataset, PP4). Therefore, this variant is classified as pathogenic according to the recommendation of ACMG/AMP guideline.

Genome-Nilou Lab
Classification: Pathogenic for Oculocutaneous albinism type 1A. Last evaluated: 2021-07-22. Review status: criteria provided, single submitter. Criteria: ACMG Guidelines, 2015. Collection method: clinical testing. Allele origin: germline. Affected: no.

Ambry Genetics
Classification: Pathogenic for Inborn genetic diseases. Last evaluated: 2017-09-20. Review status: criteria provided, single submitter. Criteria: Ambry exome assertion method (8-5-2015). Collection method: clinical testing. Allele origin: germline. Affected: yes. Observed: 1 variant allele.

Genetic Services Laboratory, University of Chicago
Classification: Pathogenic for Albinism, oculocutaneous, type IA. Last evaluated: 2016-07-25. Review status: criteria provided, single submitter. Criteria: ACMG Guidelines, 2015. Collection method: clinical testing. Allele origin: germline. Affected: yes.

Clinical Genetics Service, Universitary Hospital 12 de Octubre
Classification: Pathogenic for Oculocutaneous albinism type 1A. Review status: criteria provided, single submitter. Criteria: ACMG Guidelines, 2015. Collection method: clinical testing. Allele origin: germline. Affected: yes.

Juno Genomics, Hangzhou Juno Genomics, Inc
Classification: Pathogenic for Oculocutaneous albinism type 1A; Oculocutaneous albinism type 1B. Review status: criteria provided, single submitter. Criteria: ACMG Guidelines, 2015. Collection method: clinical testing. Allele origin: germline.
Comment: Null variant in a gene where loss of function (LOF) is a known mechanism of disease.;For recessive disorders, detected in trans with a pathogenic variant.;Patient's phenotype or family history is highly specific for a disease with a single genetic etiology.

Kariminejad - Najmabadi Pathology & Genetics Center
Classification: Pathogenic for Oculocutaneous albinism type 1A. Review status: criteria provided, single submitter. Criteria: ACMG Guidelines, 2015. Collection method: clinical testing. Allele origin: germline. Affected: no.

PreventionGenetics, part of Exact Sciences
Classification: Pathogenic for TYR-related condition. Last evaluated: 2024-08-01. Review status: no assertion criteria provided. Collection method: clinical testing. Allele origin: germline. Not counted in ClinVar's aggregate classification.
Comment: The TYR c.929dupC variant is predicted to result in a frameshift and premature protein termination (p.Arg311Lysfs*7). This variant has been reported many times in individuals with oculocutaneous albinism (see for examples: Wang et al. 2016. PubMed ID: 27829221; Lin et al. 2019. PubMed ID: 31199599; Moon et al. 2022. PubMed ID: 35052368). This variant is reported in 0.060% of alleles in individuals of East Asian descent in gnomAD. Frameshift variants in TYR are an established mechanism of disease. Given the evidence, we interpret this variant as pathogenic.

OMIM
Classification: Pathogenic for ALBINISM, OCULOCUTANEOUS, TYPE IA. Last evaluated: 1989-11-15. Review status: no assertion criteria provided. Collection method: literature only. Allele origin: germline. Not counted in ClinVar's aggregate classification.

Retina International
No classification provided. Review status: no classification provided. Collection method: not provided. Allele origin: unknown. Not counted in ClinVar's aggregate classification.

Literature cited by the submitters: PubMed 41428507 (cited by Laboratory of Genetic Epidemiology, Research Centre for Medical Genetics); PubMed 23504663 (cited by Labcorp Genetics (formerly Invitae), Labcorp); PubMed 27829221 (cited by Labcorp Genetics (formerly Invitae), Labcorp); PubMed 2511845 (cited by Ambry Genetics and OMIM).